The following is an entry in ClinVar:

ClinVar aggregate classification (germline): Uncertain significance (1 of 4 stars; one submission).

Submission:

Labcorp Genetics (formerly Invitae), Labcorp
Classification: Uncertain significance. Last evaluated: 2024-11-27. Review status: criteria provided, single submitter. Criteria: Invitae Variant Classification Sherloc (09022015). Collection method: clinical testing. Allele origin: germline.
Comment: This sequence change replaces threonine, which is neutral and polar, with alanine, which is neutral and non-polar, at codon 170 of the MYO5B protein (p.Thr170Ala). This variant is not present in population databases (gnomAD no frequency). This variant has not been reported in the literature in individuals affected with MYO5B-related conditions. Invitae Evidence Modeling of protein sequence and biophysical properties (such as structural, functional, and spatial information, amino acid conservation, physicochemical variation, residue mobility, and thermodynamic stability) indicates that this missense variant is expected to disrupt MYO5B protein function with a positive predictive value of 80%. In summary, the available evidence is currently insufficient to determine the role of this variant in disease. Therefore, it has been classified as a Variant of Uncertain Significance.

NM_001080467.3(MYO5B):c.508A>G (p.Thr170Ala)

Gene: MYO5B (myosin VB; minus strand). Cytogenetic location: 18q21.1.
Variant type: single nucleotide variant.
Coding change: c.508A>G on transcript NM_001080467.3 (MANE Select); coding-DNA position 508, A replaced by G.
Protein change: p.Thr170Ala; replaces threonine 170 with alanine.
Molecular consequence: missense variant.
Genome position (GRCh38, 1-based): chr18:50,001,359, T>C on the plus strand (A>G on the coding strand, the complement: MYO5B is on the minus strand). VCF-style: chr18-50001359-T-C. GRCh37 (hg19) VCF-style: chr18-47527729-T-C.
Other names: short protein forms T170A.
Identifiers: ClinVar variation 3665596 (VCV003665596.2).